The following is an entry in ClinVar:

NM_005476.7(GNE):c.862A>G (p.Ile288Val)

Gene: GNE (glucosamine (UDP-N-acetyl)-2-epimerase/N-acetylmannosamine kinase; minus strand). Cytogenetic location: 9p13.3.
Variant type: single nucleotide variant.
Coding change: c.862A>G on transcript NM_005476.7 (MANE Select); coding-DNA position 862, A replaced by G.
Protein change: p.Ile288Val; replaces isoleucine 288 with valine.
Molecular consequence: missense variant.
Genome position (GRCh38, 1-based): chr9:36,234,040, T>C on the plus strand (A>G on the coding strand, the complement: GNE is on the minus strand). VCF-style: chr9-36234040-T-C. GRCh37 (hg19) VCF-style: chr9-36234037-T-C.
Other names: c.955A>G, p.Ile319Val (NM_001128227.3); c.862A>G, p.Ile288Val (NM_001190383.3); c.532A>G, p.Ile178Val (NM_001190384.3); c.685A>G, p.Ile229Val (NM_001190388.2, NM_001374798.1); c.709A>G, p.Ile237Val (NM_001374797.1); short protein forms I229V, I237V, I319V, I178V, I288V.
Identifiers: ClinVar variation 1973729 (VCV001973729.2), dbSNP rs1344818607, ClinGen allele CA373430708.

ClinVar aggregate classification (germline): Uncertain significance (1 of 4 stars; one submission).

Conditions:
GNE myopathy (NM). Also called: MYOPATHY, DISTAL, WITH OR WITHOUT RIMMED VACUOLES; INCLUSION BODY MYOPATHY, HEREDITARY, AUTOSOMAL RECESSIVE; INCLUSION BODY MYOPATHY 2, AUTOSOMAL RECESSIVE; NONAKA DISTAL MYOPATHY; IBM 2; Inclusion body myopathy autosomal recessive. Identifiers: Orphanet 602, MedGen C1853926, MONDO:0011603, OMIM 605820.
Sialuria. Also called: Sialic Acid Storage Disease; SIALURIA, FRENCH TYPE. Identifiers: Orphanet 3166, MedGen C0342853, MONDO:0010028, OMIM 269921.

Allele frequency attached by ClinVar (database versions not stated): gnomAD exomes below 0.00001.

Submission:

Labcorp Genetics (formerly Invitae), Labcorp
Classification: Uncertain significance for Sialuria; GNE myopathy. Last evaluated: 2022-06-07. Review status: criteria provided, single submitter. Criteria: Invitae Variant Classification Sherloc (09022015). Collection method: clinical testing. Allele origin: germline.
Comment: This sequence change replaces isoleucine, which is neutral and non-polar, with valine, which is neutral and non-polar, at codon 319 of the GNE protein (p.Ile319Val). This variant is present in population databases (no rsID available, gnomAD 0.006%). This variant has not been reported in the literature in individuals affected with GNE-related conditions. Algorithms developed to predict the effect of missense changes on protein structure and function are either unavailable or do not agree on the potential impact of this missense change (SIFT: "Deleterious"; PolyPhen-2: "Benign"; Align-GVGD: "Class C25"). In summary, the available evidence is currently insufficient to determine the role of this variant in disease. Therefore, it has been classified as a Variant of Uncertain Significance.